The following is an entry in ClinVar:

ClinVar aggregate classification (germline): Pathogenic (3 of 4 stars; one submission).

Conditions:
Breast-ovarian cancer, familial, susceptibility to, 1 (BROVCA1). Also called: BRCA1 Hereditary Breast and Ovarian Cancer; OVARIAN CANCER, SUSCEPTIBILITY TO. Identifiers: Orphanet 145, MedGen C2676676, MONDO:0011450, OMIM 604370. Disease mechanism: loss of function.

Submission:

Evidence-based Network for the Interpretation of Germline Mutant Alleles (ENIGMA)
Classification: Pathogenic for Breast-ovarian cancer, familial, susceptibility to, 1. Last evaluated: 2017-12-15. Review status: reviewed by expert panel. Criteria: ENIGMA BRCA1/2 Classification Criteria (2017-06-29). Collection method: curation. Allele origin: germline. Study: ENIGMA.
Comment: Variant allele predicted to encode a truncated non-functional protein.

NM_007294.4(BRCA1):c.5165dup (p.Ile1723fs)

Gene: BRCA1 (BRCA1 DNA repair associated; minus strand). Cytogenetic location: 17q21.31.
Variant type: Duplication.
Coding change: c.5165dup on transcript NM_007294.4 (MANE Select); coding-DNA position 5165, one base duplicated (C; older notation c.5165dupC).
Protein change: p.Ile1723fs; shifts the reading frame from isoleucine 1723.
Molecular consequence: frameshift variant. On other transcripts: non-coding transcript variant (1).
Genome position (GRCh38, 1-based): chr17:43,063,361, G duplicated on the plus strand (C on the coding strand, the reverse complement: BRCA1 is on the minus strand). VCF-style (leftmost placement, unchanged base first): chr17-43063360-A-AG. GRCh37 (hg19) VCF-style: chr17-41215377-A-AG.
Other names: c.5165dupC (NM_007294.3); c.1592dup, p.Ile532Tyrfs (NM_001408501.1, NM_001408496.1, NM_001408497.1 and 3 more transcripts); c.1589dup, p.Ile531Tyrfs (NM_001408502.1, NM_001408503.1, NM_001408504.1); c.1586dup, p.Ile530Tyrfs (NM_001408505.1); c.1529dup, p.Ile511Tyrfs (NM_001408506.1); c.1526dup, p.Ile510Tyrfs (NM_001408507.1); c.1517dup, p.Ile507Tyrfs (NM_001408508.1); c.1514dup, p.Ile506Tyrfs (NM_001408509.1); and 76 more; short protein forms I1744fs, I1676fs, I1723fs, I619fs.
Identifiers: ClinVar variation 548279 (VCV000548279.2), dbSNP rs1555578376, ClinGen allele CA658824719.
Genomic context (GRCh38, chr17:43,063,360, plus strand): 5'-ATCTCTGGTTAGTTTGTAACATCAAGTACTTACCTCATTCAGCATTTTTCTTTCTTTAAT[A>AG]GACTGGGTCACCCCTAAAGAGATCATAGAAAAGACAGGTTACATACAGCAGAAGAACGTG-3'